The following is an entry in ClinVar:

ClinVar aggregate classification (germline): Likely pathogenic (1 of 4 stars; one submission).

Conditions:
AR-related disorder. Also called: AR-related condition.

Submission:

PreventionGenetics, part of Exact Sciences
Classification: Likely pathogenic for AR-related condition. Last evaluated: 2026-04-23. Review status: criteria provided, single submitter. Criteria: ACMG Guidelines, 2015. Collection method: clinical testing. Allele origin: germline.
Comment: The AR c.1768+1G>T variant is predicted to disrupt the GT donor site and interfere with normal splicing. To our knowledge, this variant has not been reported in the literature or in a large population database (gnomAD), indicating this variant is rare. Alternative nucleotide substitutions at this genomic position have been reported in individuals affected with androgen insensitivity syndrome (c.1768+1G>A, alternatively described as Intron 2 gt-at, in Hiort et al. 1998. PubMed ID: 9627582 and Lee et al. 2023. PubMed ID: 36731508; c.1768+1G>C in Liu et al. 2020. PubMed ID: 32345305). Variants that disrupt the consensus splice donor site in AR are expected to be pathogenic. This variant is interpreted as likely pathogenic.

NM_000044.6(AR):c.1768+1G>T

Gene: AR (androgen receptor; plus strand). Cytogenetic location: Xq12.
Variant type: single nucleotide variant.
Coding change: c.1768+1G>T on transcript NM_000044.6 (MANE Select); the canonical splice donor site of the intron after coding-DNA position 1768, G replaced by T.
Molecular consequence: splice donor variant. On other transcripts: intron variant (1).
Genome position (GRCh38, 1-based): chrX:67,643,408, G>T. VCF-style: chrX-67643408-G-T. GRCh37 (hg19) VCF-style: chrX-66863250-G-T.
Other names: c.172+1G>T (NM_001011645.3); c.1768+1G>T (NM_001348061.1, NM_001348063.1); c.1617-42533G>T (NM_001348064.1).
Identifiers: ClinVar variation 4982010 (VCV004982010.1).